The following is an entry in ClinVar:

NM_001358921.2(COQ2):c.317T>C (p.Phe106Ser)

Gene: COQ2 (coenzyme Q2, polyprenyltransferase; minus strand). Cytogenetic location: 4q21.23.
Variant type: single nucleotide variant.
Coding change: c.317T>C on transcript NM_001358921.2 (MANE Select); coding-DNA position 317, T replaced by C.
Protein change: p.Phe106Ser; replaces phenylalanine 106 with serine.
Molecular consequence: missense variant.
Genome position (GRCh38, 1-based): chr4:83,279,051, A>G on the plus strand (T>C on the coding strand, the complement: COQ2 is on the minus strand). VCF-style: chr4-83279051-A-G. GRCh37 (hg19) VCF-style: chr4-84200204-A-G.
Other names: p.F156S:TTT>TCT; p.Phe156Ser; c.467T>C, p.Phe156Ser (NM_015697.9); c.467T>C (NM_015697.8); short protein forms F156S, F106S.
Identifiers: ClinVar variation 214226 (VCV000214226.12), dbSNP rs370683088, ClinGen allele CA324591.

ClinVar aggregate classification (germline): Uncertain significance. Review status: criteria provided, multiple submitters, no conflicts (2 of 4 stars). 5 submissions from 5 submitters: Uncertain significance (5). Last evaluated 2026-09-29.

Conditions:
Coenzyme Q10 deficiency, primary, 1. Also called: UBIQUINONE DEFICIENCY 1; COENZYME Q DEFICIENCY 1; CoQ DEFICIENCY 1. Identifiers: Orphanet 255249, MedGen C3551954, MONDO:0011829, OMIM 607426.
Multiple system atrophy 1, susceptibility to. Also called: MSA1, SUSCEPTIBILITY TO. Identifiers: MedGen C3714927, MONDO:0020715, OMIM 146500.
Inborn genetic diseases. Identifiers: MedGen C0950123, MeSH D030342.

Allele frequency attached by ClinVar (database versions not stated): TOPMed 0.00010; gnomAD exomes 0.00001 and 0.00002; ExAC 0.00003; ESP Exome Variant Server 0.00008.

Submissions (5):

GeneDx
Classification: Uncertain significance. Last evaluated: 2026-09-29. Review status: criteria provided, single submitter. Criteria: GeneDx Variant Classification Process June 2021. Collection method: clinical testing. Allele origin: germline.
Comment: Has not been previously published as pathogenic or benign to our knowledge; In silico analysis supports that this missense variant has a deleterious effect on protein structure/function; This variant is associated with the following publications: (PMID: 32746448)

Labcorp Genetics (formerly Invitae), Labcorp
Classification: Uncertain significance. Last evaluated: 2025-12-02. Review status: criteria provided, single submitter. Criteria: Invitae Variant Classification Sherloc (09022015). Collection method: clinical testing. Allele origin: germline.
Comment: This sequence change replaces phenylalanine, which is neutral and non-polar, with serine, which is neutral and polar, at codon 156 of the COQ2 protein (p.Phe156Ser). This variant is present in population databases (rs370683088, gnomAD 0.02%). This missense change has been observed in individual(s) with dilated cardiomyopathy (PMID: 32746448). ClinVar contains an entry for this variant (Variation ID: 214226). Invitae Evidence Modeling of protein sequence and biophysical properties (such as structural, functional, and spatial information, amino acid conservation, physicochemical variation, residue mobility, and thermodynamic stability) indicates that this missense variant is not expected to disrupt COQ2 protein function with a negative predictive value of 80%. In summary, the available evidence is currently insufficient to determine the role of this variant in disease. Therefore, it has been classified as a Variant of Uncertain Significance.

Mayo Clinic Laboratories, Mayo Clinic
Classification: Uncertain significance. Last evaluated: 2025-06-29. Review status: criteria provided, single submitter. Criteria: ACMG Guidelines, 2015. Collection method: clinical testing. Allele origin: germline. Observed: 1 variant allele.

Fulgent Genetics
Classification: Uncertain significance for Multiple system atrophy 1, susceptibility to; Coenzyme Q10 deficiency, primary, 1. Last evaluated: 2024-03-29. Review status: criteria provided, single submitter. Criteria: ACMG Guidelines, 2015. Collection method: clinical testing. Allele origin: germline.

Ambry Genetics
Classification: Uncertain significance for Inborn genetic diseases. Last evaluated: 2021-08-11. Review status: criteria provided, single submitter. Criteria: Ambry Variant Classification Scheme 2023. Collection method: clinical testing. Allele origin: germline.

Literature cited by the submitters: PubMed 32746448 (cited by Labcorp Genetics (formerly Invitae), Labcorp and Mayo Clinic Laboratories, Mayo Clinic).